The following is an entry in ClinVar:

NM_000122.2(ERCC3):c.1828-1G>C

Gene: ERCC3 (ERCC excision repair 3, TFIIH core complex helicase subunit; minus strand). Cytogenetic location: 2q14.3.
Variant type: single nucleotide variant.
Coding change: c.1828-1G>C on transcript NM_000122.2 (MANE Select); the canonical splice acceptor site of the intron before coding-DNA position 1828, G replaced by C.
Molecular consequence: splice acceptor variant.
Genome position (GRCh38, 1-based): chr2:127,271,454, C>G on the plus strand (G>C on the coding strand, the complement: ERCC3 is on the minus strand). VCF-style: chr2-127271454-C-G. GRCh37 (hg19) VCF-style: chr2-128029030-C-G.
Other names: c.1636-1G>C (NM_001303416.2, NM_001303418.2); c.1828-1G>C (NM_000122.1).
Identifiers: ClinVar variation 1928310 (VCV001928310.7), dbSNP rs755760603, ClinGen allele CA1858160.

ClinVar aggregate classification (germline): Likely pathogenic. Review status: criteria provided, multiple submitters, no conflicts (2 of 4 stars). 3 submissions from 3 submitters: Likely pathogenic (3). Last evaluated 2026-04-24.

Conditions:
Xeroderma pigmentosum group B. Also called: XP, GROUP B; XPB/CS; XERODERMA PIGMENTOSUM B/COCKAYNE SYNDROME; ERCC3-Related Xeroderma Pigmentosum. Identifiers: MedGen C0268136, MONDO:0012531, OMIM 610651.
Trichothiodystrophy 2, photosensitive (TTD2). Identifiers: Orphanet 33364, MedGen C4225344, MONDO:0014615, OMIM 616390.
ERCC3-related disorder. Also called: ERCC3-related condition.

Allele frequency attached by ClinVar (database versions not stated): gnomAD 0.00001; TOPMed 0.00002.
gnomAD v4.1: 8 of 1,608,340 alleles (0.0005%); highest among the groups gnomAD compares: Admixed American, 0.005%; no homozygotes.

Submissions (3):

PreventionGenetics, part of Exact Sciences
Classification: Likely pathogenic for ERCC3-related condition. Last evaluated: 2026-04-24. Review status: criteria provided, single submitter. Criteria: ACMG Guidelines, 2015. Collection method: clinical testing. Allele origin: germline.
Comment: The ERCC3 c.1828-1G>C variant is predicted to disrupt the AG splice acceptor site and interfere with normal splicing. To our knowledge, this variant has not been reported in the literature in individuals affected with ERCC3-related conditions. This variant is reported in 0.0085% of alleles in individuals of Latino descent in gnomAD and is classified as likely pathogenic in ClinVar (Variation ID: 1928310). Variants that disrupt the consensus splice acceptor site in ERCC3 are expected to be pathogenic. This variant is interpreted as likely pathogenic.

Fulgent Genetics
Classification: Likely pathogenic for Xeroderma pigmentosum group B; Trichothiodystrophy 2, photosensitive. Last evaluated: 2024-03-28. Review status: criteria provided, single submitter. Criteria: ACMG Guidelines, 2015. Collection method: clinical testing. Allele origin: germline.

Labcorp Genetics (formerly Invitae), Labcorp
Classification: Likely pathogenic. Last evaluated: 2023-07-28. Review status: criteria provided, single submitter. Criteria: Invitae Variant Classification Sherloc (09022015). Collection method: clinical testing. Allele origin: germline.
Comment: Algorithms developed to predict the effect of sequence changes on RNA splicing suggest that this variant may disrupt the consensus splice site. ClinVar contains an entry for this variant (Variation ID: 1928310). This variant has not been reported in the literature in individuals affected with ERCC3-related conditions. This variant is present in population databases (rs755760603, gnomAD 0.009%). This sequence change affects an acceptor splice site in intron 11 of the ERCC3 gene. It is expected to disrupt RNA splicing. Variants that disrupt the donor or acceptor splice site typically lead to a loss of protein function (PMID: 16199547), and loss-of-function variants in ERCC3 are known to be pathogenic (PMID: 16947863). In summary, the currently available evidence indicates that the variant is pathogenic, but additional data are needed to prove that conclusively. Therefore, this variant has been classified as Likely Pathogenic.

Literature cited by the submitters: PubMed 16199547 (cited by Labcorp Genetics (formerly Invitae), Labcorp); PubMed 16947863 (cited by Labcorp Genetics (formerly Invitae), Labcorp).